The following is an entry in ClinVar:

ClinVar aggregate classification (germline): Uncertain significance (1 of 4 stars; one submission).

Submission:

Labcorp Genetics (formerly Invitae), Labcorp
Classification: Uncertain significance. Last evaluated: 2022-12-31. Review status: criteria provided, single submitter. Criteria: Invitae Variant Classification Sherloc (09022015). Collection method: clinical testing. Allele origin: unknown.
Comment: This variant has not been reported in the literature in individuals affected with SPP2-related conditions. In summary, the available evidence is currently insufficient to determine the role of this variant in disease. Therefore, it has been classified as a Variant of Uncertain Significance. A copy number gain of the genomic region encompassing the full coding sequence of the SPP2 gene has been identified. The boundaries of this event are unknown as they extend beyond the assayed region for this gene and therefore may encompass additional genes. As the precise location of this event is unknown, it may be in tandem or it may be located elsewhere in the genome.

NC_000002.11:g.(?_234835183)_(234978657_?)dup

Genes: SPP2 (secreted phosphoprotein 2; plus strand), TRPM8 (transient receptor potential cation channel subfamily M member 8; plus strand). Cytogenetic location: 2q37.1.
Variant type: Duplication.
Identifiers: ClinVar variation 3247541 (VCV003247541.1).